The following is an entry in ClinVar:

NM_153717.3(EVC):c.2029C>T (p.Gln677Ter)

Gene: EVC (EvC ciliary complex subunit 1; plus strand). Cytogenetic location: 4p16.2.
Variant type: single nucleotide variant.
Coding change: c.2029C>T on transcript NM_153717.3 (MANE Select); coding-DNA position 2029, C replaced by T.
Protein change: p.Gln677Ter; replaces glutamine 677 with a stop codon.
Molecular consequence: nonsense.
Genome position (GRCh38, 1-based): chr4:5,797,164, C>T. VCF-style: chr4-5797164-C-T. GRCh37 (hg19) VCF-style: chr4-5798891-C-T.
Other names: c.2029C>T, p.Gln677Ter (NM_001306090.2); short protein forms Q677*.
Identifiers: ClinVar variation 2166067 (VCV002166067.4), dbSNP rs2474384588, ClinGen allele CA356143956.
Genomic context (GRCh38, chr4:5,797,164, plus strand): 5'-GCCACCCTGACGCAGATGCGGCTATCGGGGAAGAAGCACCTCCTGCAGGAGCTGCGGGAA[C>T]AGCGTGCACTGGAGCAGGGGTCCTCCCAGTGCCTGGACGAGCATCAGTGGCAGCTGCTCA-3'

ClinVar aggregate classification (germline): Pathogenic (1 of 4 stars; one submission).

Conditions:
Ellis-van Creveld syndrome (EVC). Also called: EVC-Related Ellis-van Creveld Syndrome; EVC2-Related Ellis-van Creveld Syndrome; Chondroectodermal dysplasia; MESOECTODERMAL DYSPLASIA. Identifiers: Orphanet 289, MedGen C0013903, MONDO:0009162, OMIM 225500.
Curry-Hall syndrome (WAD). Also called: WEYERS ACRODENTAL DYSOSTOSIS. Identifiers: Orphanet 952, MedGen C0457013, MONDO:0008673, OMIM 193530.

Allele frequency attached by ClinVar (database versions not stated): gnomAD exomes below 0.00001.
gnomAD v4.1: 1 of 1,613,574 alleles (0.000062%); highest among the groups gnomAD compares: African/African-American, 0.0013%; no homozygotes.

Submission:

Labcorp Genetics (formerly Invitae), Labcorp
Classification: Pathogenic for Curry-Hall syndrome; Ellis-van Creveld syndrome. Last evaluated: 2023-09-08. Review status: criteria provided, single submitter. Criteria: Invitae Variant Classification Sherloc (09022015). Collection method: clinical testing. Allele origin: germline.
Comment: ClinVar contains an entry for this variant (Variation ID: 2166067). This sequence change creates a premature translational stop signal (p.Gln677*) in the EVC gene. It is expected to result in an absent or disrupted protein product. Loss-of-function variants in EVC are known to be pathogenic (PMID: 23220543). This variant is not present in population databases (gnomAD no frequency). This variant has not been reported in the literature in individuals affected with EVC-related conditions. For these reasons, this variant has been classified as Pathogenic.

Literature cited by the submitters: PubMed 23220543.